The following is an entry in ClinVar:

NM_001349253.2(SCN11A):c.3497T>C (p.Val1166Ala)

Genes: SCN11A (sodium voltage-gated channel alpha subunit 11; minus strand), LOC126806652 (CDK7 strongly-dependent group 2 enhancer GRCh37_chr3:38912374-38913573; plus strand). Cytogenetic location: 3p22.2.
Variant type: single nucleotide variant.
Coding change: c.3497T>C on transcript NM_001349253.2 (MANE Select); coding-DNA position 3497, T replaced by C.
Protein change: p.Val1166Ala; replaces valine 1166 with alanine.
Molecular consequence: missense variant.
Genome position (GRCh38, 1-based): chr3:38,871,707, A>G on the plus strand (T>C on the coding strand, the complement: SCN11A is on the minus strand). VCF-style: chr3-38871707-A-G. GRCh37 (hg19) VCF-style: chr3-38913198-A-G.
Other names: c.3497T>C (NM_014139.2); c.3497T>C, p.Val1166Ala (NM_014139.3); short protein forms V1166A.
Identifiers: ClinVar variation 3027298 (VCV003027298.23), dbSNP rs2471030916, ClinGen allele CA352171229.
Genomic context (GRCh38, chr3:38,871,707, plus strand): 5'-AGGCAGACAAGCAAAACATTCAGAATGGCAGGTATGGCACCTATGAGAGCATTGACCACC[A>G]CCTTATGGAAACAAAAGCAAAGAAAACCATAACAGATGGGTAGGATGCACCAGGCTCTTC-3'
Protein context (NP_001336182.1, residues 1156-1176): RALSQFEGMK[Val1166Ala]VVNALIGAIP

ClinVar aggregate classification (germline): Uncertain significance. Review status: criteria provided, multiple submitters, no conflicts (2 of 4 stars). 2 submissions from 2 submitters: Uncertain significance (2). Last evaluated 2024-12-10.

Conditions:
Inborn genetic diseases. Identifiers: MedGen C0950123, MeSH D030342.

Submissions (2):

Ambry Genetics
Classification: Uncertain significance for Inborn genetic diseases. Last evaluated: 2024-12-10. Review status: criteria provided, single submitter. Criteria: Ambry Variant Classification Scheme 2023. Collection method: clinical testing. Allele origin: germline.

CeGaT Center for Human Genetics Tuebingen
Classification: Uncertain significance. Last evaluated: 2024-02-01. Review status: criteria provided, single submitter. Criteria: CeGaT Center For Human Genetics Tuebingen Variant Classification Criteria Version 2. Collection method: clinical testing. Allele origin: germline. Affected: yes. Observed: 1 variant allele.
Comment: SCN11A: PM2